The following is an entry in ClinVar:

ClinVar aggregate classification (germline): Uncertain significance. Review status: criteria provided, multiple submitters, no conflicts (2 of 4 stars). 2 submissions from 2 submitters: Uncertain significance (2). Last evaluated 2026-01-06.

Allele frequency attached by ClinVar (database versions not stated): gnomAD 0.00020 and 0.00021; TOPMed 0.00025; gnomAD exomes 0.00041.
gnomAD v4.1: 656 of 1,613,784 alleles (0.041%); highest among the groups gnomAD compares: Non-Finnish European, 0.05%; no homozygotes.

Submissions (2):

Labcorp Genetics (formerly Invitae), Labcorp
Classification: Uncertain significance. Last evaluated: 2026-01-06. Review status: criteria provided, single submitter. Criteria: Invitae Variant Classification Sherloc (09022015). Collection method: clinical testing. Allele origin: germline.
Comment: This sequence change replaces valine, which is neutral and non-polar, with isoleucine, which is neutral and non-polar, at codon 239 of the HYOU1 protein (p.Val239Ile). This variant is present in population databases (rs146042132, gnomAD 0.03%). This variant has not been reported in the literature in individuals affected with HYOU1-related conditions. ClinVar contains an entry for this variant (Variation ID: 1516198). Experimental studies and prediction algorithms are not available or were not evaluated, and the functional significance of this variant is currently unknown. In summary, the available evidence is currently insufficient to determine the role of this variant in disease. Therefore, it has been classified as a Variant of Uncertain Significance.

Ambry Genetics
Classification: Uncertain significance. Last evaluated: 2025-08-14. Review status: criteria provided, single submitter. Criteria: Ambry Variant Classification Scheme 2023. Collection method: clinical testing. Allele origin: germline.

NM_006389.5(HYOU1):c.715G>A (p.Val239Ile)

Gene: HYOU1 (hypoxia up-regulated 1; minus strand). Cytogenetic location: 11q23.3.
Variant type: single nucleotide variant.
Coding change: c.715G>A on transcript NM_006389.5 (MANE Select); coding-DNA position 715, G replaced by A.
Protein change: p.Val239Ile; replaces valine 239 with isoleucine.
Molecular consequence: missense variant.
Genome position (GRCh38, 1-based): chr11:119,054,200, C>T on the plus strand (G>A on the coding strand, the complement: HYOU1 is on the minus strand). VCF-style: chr11-119054200-C-T. GRCh37 (hg19) VCF-style: chr11-118924912-C-T.
Other names: c.715G>A, p.Val239Ile (NM_001130991.3); c.715G>A (NM_006389.3); short protein forms V239I.
Identifiers: ClinVar variation 1516198 (VCV001516198.8), dbSNP rs146042132, ClinGen allele CA229647740.